The following is an entry in ClinVar:

ClinVar aggregate classification (germline): Uncertain significance (1 of 4 stars; one submission).

Submission:

Labcorp Genetics (formerly Invitae), Labcorp
Classification: Uncertain significance. Last evaluated: 2021-09-25. Review status: criteria provided, single submitter. Criteria: Invitae Variant Classification Sherloc (09022015). Collection method: clinical testing. Allele origin: germline.
Comment: Algorithms developed to predict the effect of sequence changes on RNA splicing suggest that this variant may disrupt the consensus splice site. This variant has not been reported in the literature in individuals affected with ALPK3-related conditions. This variant is not present in population databases (ExAC no frequency). This sequence change affects codon 1776 of the ALPK3 mRNA. It is a 'silent' change, meaning that it does not change the encoded amino acid sequence of the ALPK3 protein. It affects a nucleotide within the consensus splice site of the intron. In summary, the available evidence is currently insufficient to determine the role of this variant in disease. Therefore, it has been classified as a Variant of Uncertain Significance.

NM_020778.5(ALPK3):c.4722A>G (p.Ala1574=)

Gene: ALPK3 (alpha kinase 3; plus strand). Cytogenetic location: 15q25.3.
Variant type: single nucleotide variant.
Coding change: c.4722A>G on transcript NM_020778.5 (MANE Select); coding-DNA position 4722, A replaced by G.
Protein change: p.Ala1574=; no amino-acid change (alanine 1574 retained).
Molecular consequence: synonymous variant.
Genome position (GRCh38, 1-based): chr15:84,864,664, A>G. VCF-style: chr15-84864664-A-G. GRCh37 (hg19) VCF-style: chr15-85407895-A-G.
Identifiers: ClinVar variation 1383162 (VCV001383162.6), dbSNP rs2141574193, ClinGen allele CA492011798.